The following is an entry in ClinVar:

NM_031935.3(HMCN1):c.11630C>T (p.Thr3877Ile)

Gene: HMCN1 (hemicentin 1; plus strand). Cytogenetic location: 1q31.1.
Variant type: single nucleotide variant.
Coding change: c.11630C>T on transcript NM_031935.3 (MANE Select); coding-DNA position 11630, C replaced by T.
Protein change: p.Thr3877Ile; replaces threonine 3877 with isoleucine.
Molecular consequence: missense variant.
Genome position (GRCh38, 1-based): chr1:186,117,062, C>T. VCF-style: chr1-186117062-C-T. GRCh37 (hg19) VCF-style: chr1-186086194-C-T.
Other names: short protein forms T3877I.
Identifiers: ClinVar variation 3667824 (VCV003667824.2).

ClinVar aggregate classification (germline): Uncertain significance (1 of 4 stars; one submission).

gnomAD v4.1: 1 of 1,613,500 alleles (0.000062%); highest among the groups gnomAD compares: East Asian, 0.0022%; no homozygotes.

Submission:

Labcorp Genetics (formerly Invitae), Labcorp
Classification: Uncertain significance. Last evaluated: 2024-04-07. Review status: criteria provided, single submitter. Criteria: Invitae Variant Classification Sherloc (09022015). Collection method: clinical testing. Allele origin: germline.
Comment: This sequence change replaces threonine, which is neutral and polar, with isoleucine, which is neutral and non-polar, at codon 3877 of the HMCN1 protein (p.Thr3877Ile). This variant is not present in population databases (gnomAD no frequency). This variant has not been reported in the literature in individuals affected with HMCN1-related conditions. An algorithm developed to predict the effect of missense changes on protein structure and function (PolyPhen-2) suggests that this variant is likely to be disruptive. In summary, the available evidence is currently insufficient to determine the role of this variant in disease. Therefore, it has been classified as a Variant of Uncertain Significance.